The following is an entry in ClinVar:

NM_000138.5(FBN1):c.*2674T>A

Gene: FBN1 (fibrillin 1; minus strand). Cytogenetic location: 15q21.1.
Variant type: single nucleotide variant.
Coding change: c.*2674T>A on transcript NM_000138.5 (MANE Select); 2674 bases downstream of the stop codon, T replaced by A.
Molecular consequence: 3 prime UTR variant.
Genome position (GRCh38, 1-based): chr15:48,408,316, A>T on the plus strand (T>A on the coding strand, the complement: FBN1 is on the minus strand). VCF-style: chr15-48408316-A-T. GRCh37 (hg19) VCF-style: chr15-48700513-A-T.
Identifiers: ClinVar variation 316296 (VCV000316296.5), dbSNP rs142196699, ClinGen allele CA10642070.

ClinVar aggregate classification (germline): Benign/Likely benign. Review status: criteria provided, single submitter (1 of 4 stars). 7 submissions from 1 submitter: Benign (6); Likely benign (1). Last evaluated 2018-01-13.

Conditions:
Stiff skin syndrome (SSKS). Identifiers: Orphanet 2833, MedGen C1861456, MONDO:0008492, OMIM 184900.
Geleophysic dysplasia. Identifiers: Orphanet 2623, MedGen C3489726, MONDO:0000127.
Familial thoracic aortic aneurysm and aortic dissection (TAAD). Also called: Thoracic aortic aneurysms and dissections. Identifiers: Orphanet 91387, MedGen C4707243, MONDO:0019625.
Acromicric dysplasia (ACMICD). Also called: Acromicric skeletal dysplasia. Identifiers: Orphanet 969, MedGen C0265287, MONDO:0007055, OMIM 102370.
Ectopia lentis 1, isolated, autosomal dominant (ECTOL1). Identifiers: Orphanet 1885, MedGen C3541518, MONDO:0007514, OMIM 129600.
Marfan syndrome (MFS). Also called: Marfan syndrome type 1; Marfan's syndrome; MARFAN SYNDROME, TYPE I; Marfan syndrome, classic; FBN1-Related Marfan Syndrome. Identifiers: Orphanet 284963, Orphanet 558, MedGen C0024796, MONDO:0007947, OMIM 154700.
Weill-Marchesani syndrome. Also called: WM Syndrome; Mesodermal dysmorphodystrophy congenital. Identifiers: Orphanet 3449, MedGen C0265313, MONDO:0018096.

Allele frequency attached by ClinVar (database versions not stated): gnomAD 0.00484; 1000 Genomes Project 0.00499; 1000 Genomes Project 30x 0.00547; TOPMed 0.00489.

Submissions (7):

Illumina Laboratory Services, Illumina
Classification: Benign for Acromicric dysplasia. Last evaluated: 2018-01-13. Review status: criteria provided, single submitter. Criteria: ICSL Variant Classification Criteria 13 December 2019. Collection method: clinical testing. Allele origin: germline.
Comment: This variant was observed in the ICSL laboratory as part of a predisposition screen in an ostensibly healthy population. It had not been previously curated by ICSL or reported in the Human Gene Mutation Database (HGMD: prior to June 1st, 2018), and was therefore a candidate for classification through an automated scoring system. Utilizing variant allele frequency, disease prevalence and penetrance estimates, and inheritance mode, an automated score was calculated to assess if this variant is too frequent to cause the disease. Based on the score and internal cut-off values, a variant classified as benign is not then subjected to further curation. The score for this variant resulted in a classification of benign for this disease.

Illumina Laboratory Services, Illumina
Classification: Benign for Ectopia lentis 1, isolated, autosomal dominant. Last evaluated: 2018-01-13. Review status: criteria provided, single submitter. Criteria: ICSL Variant Classification Criteria 13 December 2019. Collection method: clinical testing. Allele origin: germline.
Comment: the same text as in the submission from Illumina Laboratory Services, Illumina above.

Illumina Laboratory Services, Illumina
Classification: Benign for Geleophysic dysplasia. Last evaluated: 2018-01-13. Review status: criteria provided, single submitter. Criteria: ICSL Variant Classification Criteria 13 December 2019. Collection method: clinical testing. Allele origin: germline.
Comment: the same text as in the submission from Illumina Laboratory Services, Illumina above.

Illumina Laboratory Services, Illumina
Classification: Benign for Marfan syndrome. Last evaluated: 2018-01-13. Review status: criteria provided, single submitter. Criteria: ICSL Variant Classification Criteria 13 December 2019. Collection method: clinical testing. Allele origin: germline.
Comment: the same text as in the submission from Illumina Laboratory Services, Illumina above.

Illumina Laboratory Services, Illumina
Classification: Benign for Stiff skin syndrome. Last evaluated: 2018-01-13. Review status: criteria provided, single submitter. Criteria: ICSL Variant Classification Criteria 13 December 2019. Collection method: clinical testing. Allele origin: germline.
Comment: the same text as in the submission from Illumina Laboratory Services, Illumina above.

Illumina Laboratory Services, Illumina
Classification: Benign for Weill-Marchesani syndrome. Last evaluated: 2018-01-13. Review status: criteria provided, single submitter. Criteria: ICSL Variant Classification Criteria 13 December 2019. Collection method: clinical testing. Allele origin: germline.
Comment: the same text as in the submission from Illumina Laboratory Services, Illumina above.

Illumina Laboratory Services, Illumina
Classification: Likely benign for Familial thoracic aortic aneurysm and aortic dissection. Last evaluated: 2018-01-13. Review status: criteria provided, single submitter. Criteria: ICSL Variant Classification Criteria 13 December 2019. Collection method: clinical testing. Allele origin: germline.
Comment: This variant was observed in the ICSL laboratory as part of a predisposition screen in an ostensibly healthy population. It had not been previously curated by ICSL or reported in the Human Gene Mutation Database (HGMD: prior to June 1st, 2018), and was therefore a candidate for classification through an automated scoring system. Utilizing variant allele frequency, disease prevalence and penetrance estimates, and inheritance mode, an automated score was calculated to assess if this variant is too frequent to cause the disease. Based on the score and internal cut-off values, a variant classified as likely benign is not then subjected to further curation. The score for this variant resulted in a classification of likely benign for this disease.